The following is an entry in ClinVar:

ClinVar aggregate classification (germline): Uncertain significance (1 of 4 stars; one submission).

Submission:

Labcorp Genetics (formerly Invitae), Labcorp
Classification: Uncertain significance. Last evaluated: 2021-11-02. Review status: criteria provided, single submitter. Criteria: Invitae Variant Classification Sherloc (09022015). Collection method: clinical testing. Allele origin: germline.
Comment: In summary, the available evidence is currently insufficient to determine the role of this variant in disease. Therefore, it has been classified as a Variant of Uncertain Significance. Algorithms developed to predict the effect of missense changes on protein structure and function are either unavailable or do not agree on the potential impact of this missense change (SIFT: "Deleterious"; PolyPhen-2: "Benign"; Align-GVGD: "Class C35"). This variant has not been reported in the literature in individuals affected with AP2M1-related conditions. This variant is not present in population databases (gnomAD no frequency). This sequence change replaces glutamic acid, which is acidic and polar, with aspartic acid, which is acidic and polar, at codon 273 of the AP2M1 protein (p.Glu273Asp).

NM_004068.4(AP2M1):c.819G>C (p.Glu273Asp)

Gene: AP2M1 (adaptor related protein complex 2 subunit mu 1; plus strand). Cytogenetic location: 3q27.1.
Variant type: single nucleotide variant.
Coding change: c.819G>C on transcript NM_004068.4 (MANE Select); coding-DNA position 819, G replaced by C.
Protein change: p.Glu273Asp; replaces glutamic acid 273 with aspartic acid.
Molecular consequence: missense variant.
Genome position (GRCh38, 1-based): chr3:184,181,807, G>C. VCF-style: chr3-184181807-G-C. GRCh37 (hg19) VCF-style: chr3-183899595-G-C.
Other names: c.813G>C, p.Glu271Asp (NM_001025205.2); c.894G>C, p.Glu298Asp (NM_001311198.2); short protein forms E271D, E273D, E298D.
Identifiers: ClinVar variation 1501096 (VCV001501096.6), dbSNP rs2109031591, ClinGen allele CA355427503.